The following is an entry in ClinVar:

ClinVar aggregate classification (germline): Conflicting classifications of pathogenicity. Review status: criteria provided, conflicting classifications (1 of 4 stars). 2 submissions from 2 submitters: Uncertain significance (1); Likely benign (1). Last evaluated 2026-03-27.

Conditions:
Cardiovascular phenotype. Identifiers: MedGen CN230736.

Allele frequency attached by ClinVar (database versions not stated): gnomAD 0.00002; ExAC 0.00017; TOPMed below 0.00001; 1000 Genomes Project 30x 0.00016; 1000 Genomes Project 0.00020.
gnomAD v4.1: 81 of 1,611,926 alleles (0.005%); highest among the groups gnomAD compares: South Asian, 0.088%; 1 homozygote.

Submissions (2):

Molecular Diagnostic Laboratory for Inherited Cardiovascular Disease, Montreal Heart Institute
Classification: Likely benign. Last evaluated: 2026-03-27. Review status: criteria provided, single submitter. Criteria: ACMG Guidelines, 2015. Collection method: clinical testing. Allele origin: germline. Affected: no.
Comment: BS1;BP4

Ambry Genetics
Classification: Uncertain significance for Cardiovascular phenotype. Last evaluated: 2025-05-18. Review status: criteria provided, single submitter. Criteria: Ambry Variant Classification Scheme 2023. Collection method: clinical testing. Allele origin: germline.
Comment: The p.A175T variant (also known as c.523G>A), located in coding exon 5 of the TECRL gene, results from a G to A substitution at nucleotide position 523. The alanine at codon 175 is replaced by threonine, an amino acid with similar properties. This amino acid position is conserved. In addition, this alteration is predicted to be tolerated by in silico analysis. Since supporting evidence is limited at this time, the clinical significance of this alteration remains unclear.

NM_001010874.5(TECRL):c.523G>A (p.Ala175Thr)

Gene: TECRL (trans-2,3-enoyl-CoA reductase like; minus strand). Cytogenetic location: 4q13.1.
Variant type: single nucleotide variant.
Coding change: c.523G>A on transcript NM_001010874.5 (MANE Select); coding-DNA position 523, G replaced by A.
Protein change: p.Ala175Thr; replaces alanine 175 with threonine.
Molecular consequence: missense variant.
Genome position (GRCh38, 1-based): chr4:64,314,676, C>T on the plus strand (G>A on the coding strand, the complement: TECRL is on the minus strand). VCF-style: chr4-64314676-C-T. GRCh37 (hg19) VCF-style: chr4-65180394-C-T.
Other names: c.523G>A, p.Ala175Thr (NM_001363796.1); short protein forms A175T.
Identifiers: ClinVar variation 2564182 (VCV002564182.4), dbSNP rs527299981, ClinGen allele CA2935503.